The following is an entry in ClinVar:

NM_003301.7(TRHR):c.1066G>A (p.Val356Ile)

Gene: TRHR (thyrotropin releasing hormone receptor; plus strand). Cytogenetic location: 8q23.1.
Variant type: single nucleotide variant.
Coding change: c.1066G>A on transcript NM_003301.7 (MANE Select); coding-DNA position 1066, G replaced by A.
Protein change: p.Val356Ile; replaces valine 356 with isoleucine.
Molecular consequence: missense variant.
Genome position (GRCh38, 1-based): chr8:109,119,324, G>A. VCF-style: chr8-109119324-G-A. GRCh37 (hg19) VCF-style: chr8-110131553-G-A.
Other names: short protein forms V356I.
Identifiers: ClinVar variation 721055 (VCV000721055.31), dbSNP rs147019235, ClinGen allele CA4842917.

ClinVar aggregate classification (germline): Likely benign. Review status: criteria provided, multiple submitters, no conflicts (2 of 4 stars). 3 submissions from 3 submitters: Likely benign (3). Last evaluated 2026-06-05.

Allele frequency attached by ClinVar (database versions not stated): gnomAD 0.00175 and 0.00181; gnomAD exomes 0.00175 and 0.00162; TOPMed 0.00177; ESP Exome Variant Server 0.00208; ExAC 0.00209; 1000 Genomes Project 30x 0.00078; 1000 Genomes Project 0.00080.

Submissions (3):

Women's Health and Genetics/Laboratory Corporation of America, LabCorp
Classification: Likely benign. Last evaluated: 2026-06-05. Review status: criteria provided, single submitter. Criteria: LabCorp Variant Classification Summary - May 2015. Collection method: clinical testing. Allele origin: germline.
Comment: Variant summary: TRHR c.1066G>A (p.Val356Ile) results in a conservative amino acid change in the encoded protein sequence. Algorithms developed to predict the effect of missense changes on protein structure and function are either unavailable or do not agree on the potential impact of this missense change. The variant allele was found at a frequency of 0.0016 in 250066 control chromosomes, predominantly at a frequency of 0.0026 within the Non-Finnish European subpopulation in the gnomAD database, including 2 homozygotes. The observed variant frequency within Non-Finnish European control individuals in the gnomAD database exceeds the estimated maximal expected allele frequency for disease-causing variants in TRHR. To our knowledge, no occurrence of c.1066G>A in individuals affected with TRHR-related conditions and no experimental evidence demonstrating its impact on protein function have been reported. ClinVar contains an entry for this variant (Variation ID: 721055). Based on the evidence outlined above, the variant was classified as likely benign.

Labcorp Genetics (formerly Invitae), Labcorp
Classification: Likely benign. Last evaluated: 2025-12-22. Review status: criteria provided, single submitter. Criteria: Invitae Variant Classification Sherloc (09022015). Collection method: clinical testing. Allele origin: germline.

CeGaT Center for Human Genetics Tuebingen
Classification: Likely benign. Last evaluated: 2023-02-01. Review status: criteria provided, single submitter. Criteria: CeGaT Center For Human Genetics Tuebingen Variant Classification Criteria Version 2. Collection method: clinical testing. Allele origin: germline. Affected: yes. Observed: 2 variant alleles.
Comment: TRHR: BP4, BS2